The following is an entry in ClinVar:

ClinVar aggregate classification (germline): Benign/Likely benign. Review status: criteria provided, multiple submitters, no conflicts (2 of 4 stars). 4 submissions from 4 submitters: Benign (1); Likely benign (3). Last evaluated 2025-03-11.

Conditions:
Hereditary cancer-predisposing syndrome. Also called: Tumor predisposition; Hereditary Cancer Syndrome; Hereditary neoplastic syndrome; Neoplastic Syndromes, Hereditary. Identifiers: Orphanet 140162, MedGen C0027672, MeSH D009386, MONDO:0015356.
Classic or attenuated familial adenomatous polyposis. Identifiers: MedGen CN372698, MONDO:0021057.
Familial adenomatous polyposis 1 (FAP1). Also called: FAMILIAL ADENOMATOUS POLYPOSIS 1, ATTENUATED; POLYPOSIS, ADENOMATOUS INTESTINAL. Identifiers: MedGen C2713442, MONDO:0021056, OMIM 175100. Disease mechanism: loss of function.

Allele frequency attached by ClinVar (database versions not stated): gnomAD exomes below 0.00001; ExAC 0.00001; gnomAD 0.00001; TOPMed 0.00001; ESP Exome Variant Server 0.00008.
gnomAD v4.1: 6 of 1,614,082 alleles (0.00037%); highest among the groups gnomAD compares: Non-Finnish European, 0.00051%; no homozygotes.

Submissions (4):

Labcorp Genetics (formerly Invitae), Labcorp
Classification: Likely benign for Familial adenomatous polyposis 1. Last evaluated: 2025-03-11. Review status: criteria provided, single submitter. Criteria: Invitae Variant Classification Sherloc (09022015). Collection method: clinical testing. Allele origin: germline.

Myriad Genetics, Inc.
Classification: Benign for Familial adenomatous polyposis 1. Last evaluated: 2024-03-28. Review status: criteria provided, single submitter. Criteria: Myriad Autosomal Dominant, Autosomal Recessive and X-Linked Classification Criteria (2023). Collection method: clinical testing. Allele origin: unknown.
Comment: This variant is considered benign. This variant is a silent/synonymous amino acid change and it is not expected to impact splicing.

All of Us Research Program, National Institutes of Health
Classification: Likely benign for Classic or attenuated familial adenomatous polyposis. Last evaluated: 2024-03-24. Review status: criteria provided, single submitter. Criteria: ACMG Guidelines, 2015. Collection method: clinical testing. Allele origin: germline. Inheritance: Autosomal dominant inheritance. Observed: 1 variant allele, 1 heterozygote.
Comment: This study involves interpretation of variants in research participants for the purpose of population health screening. Participant phenotype was not available at the time of variant classification. Additional details can be found in publication PMID: 35346344, PMCID: PMC8962531

Ambry Genetics
Classification: Likely benign for Hereditary cancer-predisposing syndrome. Last evaluated: 2021-09-27. Review status: criteria provided, single submitter. Criteria: Ambry Variant Classification Scheme 2023. Collection method: clinical testing. Allele origin: germline.

NM_000038.6(APC):c.4854A>G (p.Leu1618=)

Gene: APC (APC regulator of Wnt signaling pathway; plus strand). Cytogenetic location: 5q22.2.
Variant type: single nucleotide variant.
Coding change: c.4854A>G on transcript NM_000038.6 (MANE Select); coding-DNA position 4854, A replaced by G.
Protein change: p.Leu1618=; no amino-acid change (leucine 1618 retained).
Molecular consequence: synonymous variant.
Genome position (GRCh38, 1-based): chr5:112,840,448, A>G. VCF-style: chr5-112840448-A-G. GRCh37 (hg19) VCF-style: chr5-112176145-A-G.
Other names: c.4731A>G, p.Leu1577= (NM_001354900.2); c.4677A>G, p.Leu1559= (NM_001354901.2); c.4581A>G, p.Leu1527= (NM_001354902.2); c.4551A>G, p.Leu1517= (NM_001354903.2); c.4476A>G, p.Leu1492= (NM_001354904.2); c.4374A>G, p.Leu1458= (NM_001354905.2); c.4005A>G, p.Leu1335= (NM_001354906.2); c.4854A>G, p.Leu1618= (NM_001127510.3, NM_001354895.2); and 5 more.
Identifiers: ClinVar variation 537670 (VCV000537670.15), dbSNP rs377666490, ClinGen allele CA040003.